The following is an entry in ClinVar:

NM_000465.4(BARD1):c.1069A>G (p.Ile357Val)

Gene: BARD1 (BRCA1 associated RING domain 1; minus strand). Cytogenetic location: 2q35.
Variant type: single nucleotide variant.
Coding change: c.1069A>G on transcript NM_000465.4 (MANE Select); coding-DNA position 1069, A replaced by G.
Protein change: p.Ile357Val; replaces isoleucine 357 with valine.
Molecular consequence: missense variant. On other transcripts: non-coding transcript variant (2), intron variant (3).
Genome position (GRCh38, 1-based): chr2:214,780,805, T>C on the plus strand (A>G on the coding strand, the complement: BARD1 is on the minus strand). VCF-style: chr2-214780805-T-C. GRCh37 (hg19) VCF-style: chr2-215645529-T-C.
Other names: c.1069A>G (NM_000465.2); c.1012A>G, p.Ile338Val (NM_001282543.2); c.159-28250A>G (NM_001282548.2); c.215+16256A>G (NM_001282545.2); c.364+11492A>G (NM_001282549.2); short protein forms I357V, I338V.
Identifiers: ClinVar variation 584500 (VCV000584500.4), dbSNP rs1559424056, ClinGen allele CA350454118.

ClinVar aggregate classification (germline): Conflicting classifications of pathogenicity. Review status: criteria provided, conflicting classifications (1 of 4 stars). 3 submissions from 3 submitters: Uncertain significance (2); Likely benign (1). Last evaluated 2024-09-04.

Conditions:
Familial cancer of breast. Also called: Hereditary breast cancer; hereditary breast carcinoma; BREAST CANCER, FAMILIAL. Identifiers: Orphanet 227535, MedGen C0346153, MONDO:0016419, OMIM 114480. Disease mechanism: loss of function.
Hereditary cancer-predisposing syndrome. Also called: Neoplastic Syndromes, Hereditary; Hereditary Cancer Syndrome; Tumor predisposition; Hereditary neoplastic syndrome. Identifiers: Orphanet 140162, MedGen C0027672, MeSH D009386, MONDO:0015356.

Submissions (3):

Ambry Genetics
Classification: Likely benign for Hereditary cancer-predisposing syndrome. Last evaluated: 2024-09-04. Review status: criteria provided, single submitter. Criteria: Ambry Variant Classification Scheme 2023. Collection method: clinical testing. Allele origin: germline.

Labcorp Genetics (formerly Invitae), Labcorp
Classification: Uncertain significance for Familial cancer of breast. Last evaluated: 2024-03-01. Review status: criteria provided, single submitter. Criteria: Invitae Variant Classification Sherloc (09022015). Collection method: clinical testing. Allele origin: germline.
Comment: This sequence change replaces isoleucine, which is neutral and non-polar, with valine, which is neutral and non-polar, at codon 357 of the BARD1 protein (p.Ile357Val). This variant is not present in population databases (gnomAD no frequency). This missense change has been observed in individual(s) with personal and/or family history of cancer (PMID: 31159747). ClinVar contains an entry for this variant (Variation ID: 584500). Algorithms developed to predict the effect of missense changes on protein structure and function output the following: SIFT: "Not Available"; PolyPhen-2: "Benign"; Align-GVGD: "Not Available". The valine amino acid residue is found in multiple mammalian species, which suggests that this missense change does not adversely affect protein function. In summary, the available evidence is currently insufficient to determine the role of this variant in disease. Therefore, it has been classified as a Variant of Uncertain Significance.

GeneKor MSA
Classification: Uncertain significance for Hereditary cancer-predisposing syndrome. Last evaluated: 2018-08-01. Review status: criteria provided, single submitter. Criteria: ACMG Guidelines, 2015. Collection method: clinical testing. Allele origin: germline. Affected: yes.

Literature cited by the submitters: PubMed 31159747 (cited by Labcorp Genetics (formerly Invitae), Labcorp).